The following is an entry in ClinVar:

NM_001267550.2(TTN):c.86424_86425del (p.Ser28809fs)

Genes: TTN (titin; minus strand), TTN-AS1 (TTN antisense RNA 1; plus strand). Cytogenetic location: 2q31.2.
Variant type: Deletion.
Coding change: c.86424_86425del on transcript NM_001267550.2 (MANE Select); coding-DNA positions 86424 to 86425, 2 bases deleted (AT; older notation c.86424_86425delAT).
Protein change: p.Ser28809fs; shifts the reading frame from serine 28809.
Molecular consequence: frameshift variant.
Genome position (GRCh38, 1-based): chr2:178,559,707-178,559,708, AT deleted on the plus strand (AT on the coding strand, the reverse complement: TTN is on the minus strand). VCF-style (leftmost placement, unchanged base first): chr2-178559706-GAT-G. GRCh37 (hg19) VCF-style: chr2-179424433-GAT-G.
Other names: c.81501_81502del, p.Ser27168fs (NM_001256850.1); c.59229_59230del, p.Ser19744fs (NM_003319.4); c.78720_78721del, p.Ser26241fs (NM_133378.4); c.59604_59605del, p.Ser19869fs (NM_133432.3); c.59805_59806del, p.Ser19936fs (NM_133437.4); short protein forms S19744fs, S19869fs, S19936fs, S26241fs, S27168fs, S28809fs.
Identifiers: ClinVar variation 3376656 (VCV003376656.1).
Genomic context (GRCh38, chr2:178,559,706, plus strand): 5'-TTCTGAATTGTTAATGTGTACTTTCCAGAGTCATTTCTGTTGGCATTTTCAATGGTCAGT[GAT>G]GTACGAGAGTCTGTGGTATCAACATAAGCTCTAGTACGGAGGTCAGTGTCTGGCTTACTC-3'

ClinVar aggregate classification (germline): Likely pathogenic (1 of 4 stars; one submission).

Conditions:
TTN-related myopathy. Identifiers: MedGen CN294812, MONDO:0100175.

Submission:

Victorian Clinical Genetics Services, Murdoch Childrens Research Institute
Classification: Likely pathogenic for TTN-related myopathy. Last evaluated: 2022-03-31. Review status: criteria provided, single submitter. Criteria: ACMG Guidelines, 2015. Collection method: clinical testing. Allele origin: germline. Inheritance: Autosomal recessive inheritance.
Comment: Based on the classification scheme VCGS_Germline_v1.3.4, this variant is classified as Likely pathogenic. Following criteria are met: 0102 - Loss of function is known mechanism of disease in this gene. In addition, dominant-negative is also a suggested mechanism (PMID: 25589632). (I) 0108 - This gene is associated with both recessive and dominant disease (OMIM). (I) 0112 - The condition associated with this gene has incomplete penetrance. Variants in this gene that result in a premature truncating codon (PTC) are known to have reduced penetrance in DCM (PMID: 25589632). (I) 0201 - Variant is predicted to cause nonsense-mediated decay (NMD) and loss of protein (premature termination codon is located at least 54 nucleotides upstream of the final exon-exon junction). (SP) 0251 - This variant is heterozygous. (I) 0301 - Variant is absent from gnomAD (both v2 and v3). (SP) 0600 - Variant is located in the annotated C-terminal A-band and the exon has a PSI score of 100 (PMID: 25589632). (I) 0703 - Other NMD-predicted variants comparable to the one identified in this case have moderate previous evidence for pathogenicity (ClinVar). (SP) 0807 - This variant has no previous evidence of pathogenicity. (I) 0905 - No published segregation evidence has been identified for this variant. (I) 1007 - No published functional evidence has been identified for this variant. (I) 1201 - Heterozygous variant detected in trans with a second pathogenic heterozygous variant (c.15496+1G>T) in a recessive disease. (I) Legend: (SP) - Supporting pathogenic, (I) - Information, (SB) - Supporting benign

Literature cited by the submitters: PubMed 25589632.